The following is an entry in ClinVar:

ClinVar aggregate classification (germline): Uncertain significance (1 of 4 stars; one submission).

Submission:

GeneDx
Classification: Uncertain significance. Last evaluated: 2024-02-27. Review status: criteria provided, single submitter. Criteria: GeneDx Variant Classification Process June 2021. Collection method: clinical testing. Allele origin: germline. Affected: yes.
Comment: Has not been previously published as pathogenic or benign to our knowledge; Not observed at significant frequency in large population cohorts (gnomAD); In silico analysis supports that this missense variant does not alter protein structure/function

NM_130837.3(OPA1):c.2033C>A (p.Ser678Tyr)

Gene: OPA1 (OPA1 mitochondrial dynamin like GTPase; plus strand). Cytogenetic location: 3q29.
Variant type: single nucleotide variant.
Coding change: c.2033C>A on transcript NM_130837.3 (MANE Select); coding-DNA position 2033, C replaced by A.
Protein change: p.Ser678Tyr; replaces serine 678 with tyrosine.
Molecular consequence: missense variant.
Genome position (GRCh38, 1-based): chr3:193,654,882, C>A. VCF-style: chr3-193654882-C-A. GRCh37 (hg19) VCF-style: chr3-193372671-C-A.
Other names: c.1499C>A, p.Ser500Tyr (NM_001354663.2); c.1496C>A, p.Ser499Tyr (NM_001354664.2); c.1868C>A, p.Ser623Tyr (NM_015560.3); c.1760C>A, p.Ser587Tyr (NM_130831.3); c.1814C>A, p.Ser605Tyr (NM_130832.3); c.1871C>A, p.Ser624Tyr (NM_130833.3); c.1922C>A, p.Ser641Tyr (NM_130834.3); c.1925C>A, p.Ser642Tyr (NM_130835.3); and 1 more; short protein forms S499Y, S500Y, S587Y, S605Y, S623Y, S624Y, S641Y, S642Y.
Identifiers: ClinVar variation 3369685 (VCV003369685.1).